The following is an entry in ClinVar:

NM_012243.3(SLC35A3):c.655G>T (p.Gly219Ter)

Gene: SLC35A3 (solute carrier family 35 member A3; plus strand). Cytogenetic location: 1p21.2.
Variant type: single nucleotide variant.
Coding change: c.655G>T on transcript NM_012243.3 (MANE Select); coding-DNA position 655, G replaced by T.
Protein change: p.Gly219Ter; replaces glycine 219 with a stop codon.
Molecular consequence: nonsense. On other transcripts: intron variant (2).
Genome position (GRCh38, 1-based): chr1:100,015,322, G>T. VCF-style: chr1-100015322-G-T. GRCh37 (hg19) VCF-style: chr1-100480878-G-T.
Other names: c.781G>T, p.Gly261Ter (NM_001271685.2); c.532G>T, p.Gly178Ter (NM_001437713.1, NM_001437717.1); c.655G>T, p.Gly219Ter (NM_001438725.1, NM_001438728.1); c.634+3789G>T (NM_001271684.2); c.511+3789G>T (NM_001438729.1); short protein forms G178*, G219*, G261*.
Identifiers: ClinVar variation 4815564 (VCV004815564.1).

ClinVar aggregate classification (germline): Likely pathogenic (1 of 4 stars; one submission).

Conditions:
Autism spectrum disorder - epilepsy - arthrogryposis syndrome (AMRS). Identifiers: Orphanet 370943, MedGen C3809910, MONDO:0014248, OMIM 615553.

Submission:

Natera, Inc.
Classification: Likely pathogenic for Arthrogryposis, mental retardation, and seizures. Last evaluated: 2024-04-16. Review status: criteria provided, single submitter. Criteria: Natera Variant Classification Schema (03/2026). Collection method: clinical testing. Allele origin: germline.
Comment: The c.655G>T variant in SLC35A3 is a nonsense variant predicted to introduce a stop codon at amino acid 219. This variant is expected to result in nonsense mediated decay, truncation, or a dysfunctional protein product. This variant is rare in the general population with a frequency below the threshold expected for the associated phenotype(s). Given the available evidence, this variant is classified as Likely Pathogenic.